The following is an entry in ClinVar:

ClinVar aggregate classification (germline): Uncertain significance (1 of 4 stars; one submission).

Conditions:
Cohen syndrome (COH1). Also called: Cutis verticis gyrata, retinitis pigmentosa, and sensorineural deafness; PEPPER SYNDROME. Identifiers: Orphanet 193, MedGen C0265223, MONDO:0008999, OMIM 216550.

Submission:

Labcorp Genetics (formerly Invitae), Labcorp
Classification: Uncertain significance for Cohen syndrome. Last evaluated: 2025-05-15. Review status: criteria provided, single submitter. Criteria: Invitae Variant Classification Sherloc (09022015). Collection method: clinical testing. Allele origin: germline.
Comment: This sequence change replaces threonine, which is neutral and polar, with isoleucine, which is neutral and non-polar, at codon 2151 of the VPS13B protein (p.Thr2151Ile). This variant is not present in population databases (gnomAD no frequency). This variant has not been reported in the literature in individuals affected with VPS13B-related conditions. ClinVar contains an entry for this variant (Variation ID: 3710624). Invitae Evidence Modeling of protein sequence and biophysical properties (such as structural, functional, and spatial information, amino acid conservation, physicochemical variation, residue mobility, and thermodynamic stability) indicates that this missense variant is not expected to disrupt VPS13B protein function with a negative predictive value of 80%. In summary, the available evidence is currently insufficient to determine the role of this variant in disease. Therefore, it has been classified as a Variant of Uncertain Significance.

NM_152564.5(VPS13B):c.6377C>T (p.Thr2126Ile)

Gene: VPS13B (vacuolar protein sorting 13 homolog B; plus strand). Cytogenetic location: 8q22.2.
Variant type: single nucleotide variant.
Coding change: c.6377C>T on transcript NM_152564.5 (MANE Select); coding-DNA position 6377, C replaced by T.
Protein change: p.Thr2126Ile; replaces threonine 2126 with isoleucine.
Molecular consequence: missense variant.
Genome position (GRCh38, 1-based): chr8:99,699,855, C>T. VCF-style: chr8-99699855-C-T. GRCh37 (hg19) VCF-style: chr8-100712083-C-T.
Other names: c.6452C>T, p.Thr2151Ile (NM_017890.5); short protein forms T2126I, T2151I.
Identifiers: ClinVar variation 3710624 (VCV003710624.2).
Genomic context (GRCh38, chr8:99,699,855, plus strand): 5'-TTCAAAAAATTTCTGTTCAAACTACTCAGATTGTGATCTCCATGGAAACTGTACCCCATA[C>T]CAGCAAACCATGCCTGTTAGCATCTCTCTCAAACCTCAATGGAAGCCTTAGTGTCAAGGC-3'
Protein context (NP_689777.3, residues 2116-2136): IVISMETVPH[Thr2126Ile]SKPCLLASLS